The following is an entry in ClinVar:

NM_000152.5(GAA):c.2189+95C>T

Gene: GAA (alpha glucosidase; plus strand). Cytogenetic location: 17q25.3.
Variant type: single nucleotide variant.
Coding change: c.2189+95C>T on transcript NM_000152.5 (MANE Select); 95 bases into the intron after coding-DNA position 2189, C replaced by T.
Molecular consequence: intron variant.
Genome position (GRCh38, 1-based): chr17:80,113,461, C>T. VCF-style: chr17-80113461-C-T. GRCh37 (hg19) VCF-style: chr17-78087260-C-T.
Other names: c.2189+95C>T (NM_001079803.3, NM_001079804.3).
Identifiers: ClinVar variation 1172928 (VCV001172928.8), dbSNP rs72850840, ClinGen allele CA15909058.

ClinVar aggregate classification (germline): Benign. Review status: criteria provided, multiple submitters, no conflicts (2 of 4 stars). 4 submissions from 4 submitters: Benign (4). Last evaluated 2026-07-01.

Conditions:
Glycogen storage disease, type II (IOPD). Also called: CARDIOMEGALIA GLYCOGENICA DIFFUSA; GLYCOGENOSIS, GENERALIZED, CARDIAC FORM; GSD II; Glycogen storage disease type 2; Acid maltase deficiency disease; Aglucosidase alfa. Identifiers: Orphanet 365, MedGen C0017921, MONDO:0009290, OMIM 232300.

Allele frequency attached by ClinVar (database versions not stated): TOPMed 0.03970; gnomAD 0.04030 and 0.04369; gnomAD exomes 0.04531; 1000 Genomes Project 30x 0.07480; 1000 Genomes Project 0.07788.
gnomAD v4.1: 55,293 of 1,220,532 alleles (4.5%); highest among the groups gnomAD compares: East Asian, 26%; 2,358 homozygotes.

Submissions (4):

Genomenon, Inc
Classification: Benign for Glycogen storage disease, type II. Last evaluated: 2026-07-01. Review status: criteria provided, single submitter. Criteria: Genomenon Sequence Variant Interpretation Standards - Updated. Collection method: curation. Allele origin: germline. Affected: no.
Comment: GAA c.2189+95C>T is an intronic variant located in intron 15. This variant is present at high allele frequency in population databases. We classify GAA c.2189+95C>T as a benign variant.

Genome-Nilou Lab
Classification: Benign for Glycogen storage disease, type II. Last evaluated: 2021-06-10. Review status: criteria provided, single submitter. Criteria: ACMG Guidelines, 2015. Collection method: clinical testing. Allele origin: germline. Affected: no.

GeneDx
Classification: Benign. Last evaluated: 2020-04-28. Review status: criteria provided, single submitter. Criteria: GeneDx Variant Classification Process June 2021. Collection method: clinical testing. Allele origin: germline. Affected: yes.
Comment: Has not been previously published as pathogenic or benign to our knowledge; Nucleotide substitution has no predicted effect on splicing and is not conserved across species

Breakthrough Genomics
Classification: Benign. Review status: criteria provided, single submitter. Criteria: ACMG Guidelines, 2015. Collection method: not provided. Allele origin: germline. Inheritance: Autosomal recessive inheritance. Affected: yes.